The following is an entry in ClinVar:

NM_001127649.3(PEX26):c.518G>A (p.Cys173Tyr)

Gene: PEX26 (peroxisomal biogenesis factor 26; plus strand). Cytogenetic location: 22q11.21.
Variant type: single nucleotide variant.
Coding change: c.518G>A on transcript NM_001127649.3 (MANE Select); coding-DNA position 518, G replaced by A.
Protein change: p.Cys173Tyr; replaces cysteine 173 with tyrosine.
Molecular consequence: missense variant.
Genome position (GRCh38, 1-based): chr22:18,083,583, G>A. VCF-style: chr22-18083583-G-A. GRCh37 (hg19) VCF-style: chr22-18566349-G-A.
Other names: c.518G>A, p.Cys173Tyr (NM_001199319.2, NM_017929.6); short protein forms C173Y.
Identifiers: ClinVar variation 4985896 (VCV004985896.1).

ClinVar aggregate classification (germline): Uncertain significance (1 of 4 stars; one submission).

Conditions:
PEX26-related disorder. Also called: PEX26-related condition.

gnomAD v4.1: 2 of 1,614,124 alleles (0.00012%); highest among the groups gnomAD compares: Admixed American, 0.0017%; no homozygotes.

Submission:

PreventionGenetics, part of Exact Sciences
Classification: Uncertain significance for PEX26-related condition. Last evaluated: 2026-09-02. Review status: criteria provided, single submitter. Criteria: ACMG Guidelines, 2015. Collection method: clinical testing. Allele origin: germline.
Comment: The PEX26 c.518G>A variant is predicted to result in the amino acid substitution p.Cys173Tyr. To our knowledge, this variant has not been reported in the literature or in a large population database (gnomAD), indicating this variant is rare. At this time, the clinical significance of this variant is uncertain due to the absence of conclusive functional and genetic evidence.